The following is an entry in ClinVar:

NM_001375524.1(TRRAP):c.10874C>T (p.Pro3625Leu)

Gene: TRRAP (transformation/transcription domain associated protein; plus strand). Cytogenetic location: 7q22.1.
Variant type: single nucleotide variant.
Coding change: c.10874C>T on transcript NM_001375524.1 (MANE Select); coding-DNA position 10874, C replaced by T.
Protein change: p.Pro3625Leu; replaces proline 3625 with leucine.
Molecular consequence: missense variant.
Genome position (GRCh38, 1-based): chr7:99,008,497, C>T. VCF-style: chr7-99008497-C-T. GRCh37 (hg19) VCF-style: chr7-98606120-C-T.
Other names: c.10832C>T, p.Pro3611Leu (NM_001244580.2); c.10745C>T, p.Pro3582Leu (NM_003496.4); short protein forms P3611L, P3582L, P3625L.
Identifiers: ClinVar variation 2811743 (VCV002811743.3), dbSNP rs2485072144, ClinGen allele CA368340318.
Genomic context (GRCh38, chr7:99,008,497, plus strand): 5'-TTTCCCTTGTGGAGATCTACAAGCAGCGCTGCGCCAAGAAGGGCATCGAGCATGACAACC[C>T]CATCTCCCGTTACTATGACCGGCTGGCTACGGTGCAGGCGCGGGGAACCCAAGCCAGCCA-3'
Protein context (NP_001362453.1, residues 3615-3635): CAKKGIEHDN[Pro3625Leu]ISRYYDRLAT

ClinVar aggregate classification (germline): Uncertain significance (1 of 4 stars; one submission).

Submission:

Labcorp Genetics (formerly Invitae), Labcorp
Classification: Uncertain significance. Last evaluated: 2022-11-03. Review status: criteria provided, single submitter. Criteria: Invitae Variant Classification Sherloc (09022015). Collection method: clinical testing. Allele origin: germline.
Comment: This sequence change replaces proline, which is neutral and non-polar, with leucine, which is neutral and non-polar, at codon 3582 of the TRRAP protein (p.Pro3582Leu). This variant is not present in population databases (gnomAD no frequency). This variant has not been reported in the literature in individuals affected with TRRAP-related conditions. Advanced modeling of protein sequence and biophysical properties (such as structural, functional, and spatial information, amino acid conservation, physicochemical variation, residue mobility, and thermodynamic stability) performed at Invitae indicates that this missense variant is not expected to disrupt TRRAP protein function. In summary, the available evidence is currently insufficient to determine the role of this variant in disease. Therefore, it has been classified as a Variant of Uncertain Significance.